The following is an entry in ClinVar:

ClinVar aggregate classification (germline): Uncertain significance (1 of 4 stars; one submission).

Submission:

GeneDx
Classification: Uncertain significance. Last evaluated: 2025-04-24. Review status: criteria provided, single submitter. Criteria: GeneDx Variant Classification Process June 2021. Collection method: clinical testing. Allele origin: germline. Affected: yes.
Comment: Not observed at significant frequency in large population cohorts (gnomAD); In silico analysis indicates that this missense variant does not alter protein structure/function; Has not been previously published as pathogenic or benign to our knowledge

NM_153747.2(PIGC):c.803A>G (p.Tyr268Cys)

Genes: C1orf105 (chromosome 1 open reading frame 105; plus strand), PIGC (phosphatidylinositol glycan anchor biosynthesis class C; minus strand). Cytogenetic location: 1q24.3.
Variant type: single nucleotide variant.
Coding change: c.803A>G on transcript NM_153747.2 (MANE Select); coding-DNA position 803, A replaced by G.
Protein change: p.Tyr268Cys; replaces tyrosine 268 with cysteine.
Molecular consequence: missense variant. On other transcripts: intron variant (1).
Genome position (GRCh38, 1-based): chr1:172,441,820, T>C on the plus strand (A>G on the coding strand, the complement: PIGC is on the minus strand). VCF-style: chr1-172441820-T-C. GRCh37 (hg19) VCF-style: chr1-172410960-T-C.
Other names: c.803A>G, p.Tyr268Cys (NM_002642.4); c.22-3253T>C (NM_139240.4); short protein forms Y268C.
Identifiers: ClinVar variation 4527317 (VCV004527317.1).